The following is an entry in ClinVar:

NM_005228.5(EGFR):c.357_361del (p.Leu119fs)

Gene: EGFR (epidermal growth factor receptor; plus strand). Cytogenetic location: 7p11.2.
Variant type: Deletion.
Coding change: c.357_361del on transcript NM_005228.5 (MANE Select); coding-DNA positions 357 to 361, 5 bases deleted (AGCAG; older notation c.357_361delAGCAG).
Protein change: p.Leu119fs; shifts the reading frame from leucine 119.
Molecular consequence: frameshift variant. On other transcripts: intron variant (1).
Genome position (GRCh38, 1-based): chr7:55,143,421-55,143,425, AGCAG deleted. VCF-style (leftmost placement, unchanged base first): chr7-55143420-TAGCAG-T. GRCh37 (hg19) VCF-style: chr7-55211113-TAGCAG-T.
Other names: c.357_361del, p.Leu119fs (NM_001346897.2, NM_001346898.2, NM_001346899.2 and 3 more transcripts); c.198_202del, p.Leu66fs (NM_001346900.2); c.89-12409_89-12405del (NM_001346941.2); short protein forms L66fs, L119fs.
Identifiers: ClinVar variation 2701755 (VCV002701755.3), dbSNP rs2535448587, ClinGen allele CA2697557271.

ClinVar aggregate classification (germline): Pathogenic (1 of 4 stars; one submission).

Conditions:
EGFR-related lung cancer (EGFR). Identifiers: MedGen CN130014.

Submission:

Labcorp Genetics (formerly Invitae), Labcorp
Classification: Pathogenic for EGFR-related lung cancer. Last evaluated: 2023-12-09. Review status: criteria provided, single submitter. Criteria: Invitae Variant Classification Sherloc (09022015). Collection method: clinical testing. Allele origin: germline.
Comment: This sequence change creates a premature translational stop signal (p.Leu119Phefs*4) in the EGFR gene. It is expected to result in an absent or disrupted protein product. Loss-of-function variants in EGFR are known to be pathogenic (PMID: 7630400, 28726809, 29899996). This variant is not present in population databases (gnomAD no frequency). This variant has not been reported in the literature in individuals affected with EGFR-related conditions. Algorithms developed to predict the effect of sequence changes on RNA splicing suggest that this variant may disrupt the consensus splice site. For these reasons, this variant has been classified as Pathogenic.

Literature cited by the submitters: PubMed 7630400; PubMed 28726809; PubMed 29899996.